The following is an entry in ClinVar:

ClinVar aggregate classification (germline): Uncertain significance (1 of 4 stars; one submission).

Conditions:
Early-infantile DEE. Also called: Ohtahara syndrome; Early infantile epileptic encephalopathy with suppression bursts; Early infantile epileptic encephalopathy. Identifiers: Orphanet 1934, MedGen C0393706, MONDO:0800491.

Submission:

Labcorp Genetics (formerly Invitae), Labcorp
Classification: Uncertain significance for Early-infantile DEE. Last evaluated: 2022-07-26. Review status: criteria provided, single submitter. Criteria: Invitae Variant Classification Sherloc (09022015). Collection method: clinical testing. Allele origin: germline.
Comment: In summary, the available evidence is currently insufficient to determine the role of this variant in disease. Therefore, it has been classified as a Variant of Uncertain Significance. Advanced modeling of protein sequence and biophysical properties (such as structural, functional, and spatial information, amino acid conservation, physicochemical variation, residue mobility, and thermodynamic stability) performed at Invitae indicates that this missense variant is expected to disrupt SCN1A protein function. ClinVar contains an entry for this variant (Variation ID: 962857). This variant has not been reported in the literature in individuals affected with SCN1A-related conditions. This variant is not present in population databases (gnomAD no frequency). This sequence change replaces aspartic acid, which is acidic and polar, with alanine, which is neutral and non-polar, at codon 1860 of the SCN1A protein (p.Asp1860Ala).

NM_001165963.4(SCN1A):c.5579A>C (p.Asp1860Ala)

Genes: SCN1A (sodium voltage-gated channel alpha subunit 1; minus strand), LOC102724058 (uncharacterized LOC102724058; plus strand). Cytogenetic location: 2q24.3.
Variant type: single nucleotide variant.
Coding change: c.5579A>C on transcript NM_001165963.4 (MANE Select); coding-DNA position 5579, A replaced by C.
Protein change: p.Asp1860Ala; replaces aspartic acid 1860 with alanine.
Molecular consequence: missense variant. On other transcripts: non-coding transcript variant (1).
Genome position (GRCh38, 1-based): chr2:165,991,696, T>G on the plus strand (A>C on the coding strand, the complement: SCN1A is on the minus strand). VCF-style: chr2-165991696-T-G. GRCh37 (hg19) VCF-style: chr2-166848206-T-G.
Other names: c.5495A>C, p.Asp1832Ala (NM_001165964.3, NM_001353957.2, NM_001353958.2); c.5579A>C, p.Asp1860Ala (NM_001202435.3, NM_001353948.2); c.5546A>C, p.Asp1849Ala (NM_001353949.2, NM_001353950.2, NM_001353951.2 and 2 more transcripts); c.5543A>C, p.Asp1848Ala (NM_001353954.2, NM_001353955.2); c.5492A>C, p.Asp1831Ala (NM_001353960.2); c.3137A>C, p.Asp1046Ala (NM_001353961.2); short protein forms D1832A, D1860A, D1848A, D1849A, D1046A, D1831A.
Identifiers: ClinVar variation 962857 (VCV000962857.10), dbSNP rs1689179203, ClinGen allele CA349065375.